The following is an entry in ClinVar:

ClinVar aggregate classification (germline): Uncertain significance (1 of 4 stars; one submission).

Submission:

GeneDx
Classification: Uncertain significance. Last evaluated: 2026-03-21. Review status: criteria provided, single submitter. Criteria: GeneDx Variant Classification Process June 2021. Collection method: clinical testing. Allele origin: germline.
Comment: Not observed at significant frequency in large population cohorts (gnomAD); In silico analysis supports that this missense variant has a deleterious effect on protein structure/function; Has not been previously published as pathogenic or benign to our knowledge

NM_000256.3(MYBPC3):c.2656G>T (p.Val886Phe)

Gene: MYBPC3 (myosin binding protein C3; minus strand). Cytogenetic location: 11p11.2.
Variant type: single nucleotide variant.
Coding change: c.2656G>T on transcript NM_000256.3 (MANE Select); coding-DNA position 2656, G replaced by T.
Protein change: p.Val886Phe; replaces valine 886 with phenylalanine.
Molecular consequence: missense variant.
Genome position (GRCh38, 1-based): chr11:47,335,958, C>A on the plus strand (G>T on the coding strand, the complement: MYBPC3 is on the minus strand). VCF-style: chr11-47335958-C-A. GRCh37 (hg19) VCF-style: chr11-47357509-C-A.
Other names: short protein forms V886F.
Identifiers: ClinVar variation 5017120 (VCV005017120.1).